The following is an entry in ClinVar:

ClinVar aggregate classification (germline): Pathogenic (1 of 4 stars; one submission).

Conditions:
Zellweger spectrum disorders (ZS). Also called: Zellweger Spectrum Disorder (ZSD); Zellweger Spectrum Disorder; Zellweger Spectrum; Zellweger syndrome. Identifiers: Orphanet 912, MedGen C0043459, MONDO:0019609.

Submission:

Labcorp Genetics (formerly Invitae), Labcorp
Classification: Pathogenic for Zellweger spectrum disorders. Last evaluated: 2018-08-26. Review status: criteria provided, single submitter. Criteria: Invitae Variant Classification Sherloc (09022015). Collection method: clinical testing. Allele origin: germline.
Comment: For these reasons, this variant has been classified as Pathogenic. This sequence change creates a premature translational stop signal (p.Ala824Glyfs*67) in the PEX1 gene. It is expected to result in an absent or disrupted protein product. This variant is not present in population databases (ExAC no frequency). This variant has not been reported in the literature in individuals with PEX1-related disease. Loss-of-function variants in PEX1 are known to be pathogenic (PMID: 9398847, 16086329, 16141001, 21031596).

Literature cited by the submitters: PubMed 9398847; PubMed 16086329; PubMed 16141001; PubMed 21031596.

NM_000466.3(PEX1):c.2471del (p.Ala824fs)

Gene: PEX1 (peroxisomal biogenesis factor 1; minus strand). Cytogenetic location: 7q21.2.
Variant type: Deletion.
Coding change: c.2471del on transcript NM_000466.3 (MANE Select); coding-DNA position 2471, one base deleted (C; older notation c.2471delC).
Protein change: p.Ala824fs; shifts the reading frame from alanine 824.
Molecular consequence: frameshift variant.
Genome position (GRCh38, 1-based): chr7:92,501,619, G deleted on the plus strand (C on the coding strand, the reverse complement: PEX1 is on the minus strand). VCF-style (leftmost placement, unchanged base first): chr7-92501618-CG-C. GRCh37 (hg19) VCF-style: chr7-92130932-CG-C.
Other names: c.2300del, p.Ala767fs (NM_001282677.2); c.1847del, p.Ala616fs (NM_001282678.2); short protein forms A824fs, A616fs, A767fs.
Identifiers: ClinVar variation 665163 (VCV000665163.8), dbSNP rs1585231093, ClinGen allele CA915945349.